The following is an entry in ClinVar:

ClinVar aggregate classification (germline): Uncertain significance (1 of 4 stars; one submission).

Conditions:
TTC8-related disorder. Also called: TTC8-related condition.

gnomAD v4.1: 1 of 1,613,446 alleles (0.000062%); highest among the groups gnomAD compares: Non-Finnish European, 0.000085%; no homozygotes.

Submission:

PreventionGenetics, part of Exact Sciences
Classification: Uncertain significance for TTC8-related condition. Last evaluated: 2025-06-04. Review status: criteria provided, single submitter. Criteria: ACMG Guidelines, 2015. Collection method: clinical testing. Allele origin: germline.
Comment: The TTC8 c.76C>G variant is predicted to result in the amino acid substitution p.Leu26Val. To our knowledge, this variant has not been reported in the literature or in a large population database (gnomAD), indicating this variant is rare. At this time, the clinical significance of this variant is uncertain due to the absence of conclusive functional and genetic evidence.

NM_144596.4(TTC8):c.76C>G (p.Leu26Val)

Gene: TTC8 (tetratricopeptide repeat domain 8; plus strand). Cytogenetic location: 14q31.3.
Variant type: single nucleotide variant.
Coding change: c.76C>G on transcript NM_144596.4 (MANE Select); coding-DNA position 76, C replaced by G.
Protein change: p.Leu26Val; replaces leucine 26 with valine.
Molecular consequence: missense variant. On other transcripts: 5 prime UTR variant (2), non-coding transcript variant (1).
Genome position (GRCh38, 1-based): chr14:88,824,783, C>G. VCF-style: chr14-88824783-C-G. GRCh37 (hg19) VCF-style: chr14-89291127-C-G.
Other names: c.76C>G, p.Leu26Val (NM_001288781.1, NM_001366535.2, NM_001366536.2 and 2 more transcripts); c.-487C>G (NM_001288782.1); c.-582C>G (NM_001288783.1); short protein forms L26V.
Identifiers: ClinVar variation 4997720 (VCV004997720.1).